The following is an entry in ClinVar:

ClinVar aggregate classification (germline): Uncertain significance (1 of 4 stars; one submission).

Conditions:
Severe combined immunodeficiency due to DCLRE1C deficiency (RS-SCID). Also called: SCID, AUTOSOMAL RECESSIVE, T CELL-NEGATIVE, B CELL-NEGATIVE, NK CELL-POSITIVE, WITH SENSITIVITY TO IONIZING RADIATION. Identifiers: Orphanet 275, MedGen C1865371, MONDO:0011225, OMIM 602450.

Submission:

Labcorp Genetics (formerly Invitae), Labcorp
Classification: Uncertain significance for Athabaskan severe combined immunodeficiency. Last evaluated: 2023-10-03. Review status: criteria provided, single submitter. Criteria: Invitae Variant Classification Sherloc (09022015). Collection method: clinical testing. Allele origin: germline.
Comment: This sequence change replaces glutamic acid, which is acidic and polar, with lysine, which is basic and polar, at codon 502 of the DCLRE1C protein (p.Glu502Lys). This variant is not present in population databases (gnomAD no frequency). This variant has not been reported in the literature in individuals affected with DCLRE1C-related conditions. ClinVar contains an entry for this variant (Variation ID: 1471372). An algorithm developed to predict the effect of missense changes on protein structure and function (PolyPhen-2) suggests that this variant is likely to be tolerated. In summary, the available evidence is currently insufficient to determine the role of this variant in disease. Therefore, it has been classified as a Variant of Uncertain Significance.

NM_001033855.3(DCLRE1C):c.1504G>A (p.Glu502Lys)

Gene: DCLRE1C (DNA cross-link repair 1C; minus strand). Cytogenetic location: 10p13.
Variant type: single nucleotide variant.
Coding change: c.1504G>A on transcript NM_001033855.3 (MANE Select); coding-DNA position 1504, G replaced by A.
Protein change: p.Glu502Lys; replaces glutamic acid 502 with lysine.
Molecular consequence: missense variant. On other transcripts: non-coding transcript variant (4).
Genome position (GRCh38, 1-based): chr10:14,908,983, C>T on the plus strand (G>A on the coding strand, the complement: DCLRE1C is on the minus strand). VCF-style: chr10-14908983-C-T. GRCh37 (hg19) VCF-style: chr10-14950982-C-T.
Other names: c.1144G>A, p.Glu382Lys (NM_001033857.3, NM_001033858.3, NM_001289077.2 and 2 more transcripts); c.1159G>A, p.Glu387Lys (NM_001289076.2, NM_001289078.2, NM_001350966.2 and 1 more transcripts); c.1504G>A, p.Glu502Lys (NM_001350965.2); short protein forms E387K, E502K, E382K.
Identifiers: ClinVar variation 1471372 (VCV001471372.8), dbSNP rs780875686, ClinGen allele CA376075446.